The following is an entry in ClinVar:

ClinVar aggregate classification (germline): Likely benign (1 of 4 stars; one submission).

Allele frequency attached by ClinVar (database versions not stated): 1000 Genomes Project 30x 0.00531; 1000 Genomes Project 0.00559; TOPMed 0.00847; gnomAD 0.00862 and 0.00877; gnomAD exomes 0.01088.

Submission:

GeneDx
Classification: Likely benign. Last evaluated: 2018-06-16. Review status: criteria provided, single submitter. Criteria: GeneDx Variant Classification (06012015). Collection method: clinical testing. Allele origin: germline. Affected: yes.
Comment: This variant is considered likely benign or benign based on one or more of the following criteria: it is a conservative change, it occurs at a poorly conserved position in the protein, it is predicted to be benign by multiple in silico algorithms, and/or has population frequency not consistent with disease.

NM_000069.3(CACNA1S):c.2746-123del

Gene: CACNA1S (calcium voltage-gated channel subunit alpha1 S; minus strand). Cytogenetic location: 1q32.1.
Variant type: Deletion.
Coding change: c.2746-123del on transcript NM_000069.3 (MANE Select); 123 bases into the intron before coding-DNA position 2746, one base deleted (A; older notation c.2746-123delA).
Molecular consequence: intron variant.
Genome position (GRCh38, 1-based): chr1:201,066,068, T deleted on the plus strand (A on the coding strand, the reverse complement: CACNA1S is on the minus strand). VCF-style (leftmost placement, unchanged base first): chr1-201066067-CT-C. GRCh37 (hg19) VCF-style: chr1-201035195-CT-C.
Identifiers: ClinVar variation 678300 (VCV000678300.1), dbSNP rs201570722, ClinGen allele CA35970356.